The following is an entry in ClinVar:

NM_000059.4(BRCA2):c.1174G>A (p.Ala392Thr)

Gene: BRCA2 (BRCA2 DNA repair associated; plus strand). Cytogenetic location: 13q13.1.
Variant type: single nucleotide variant.
Coding change: c.1174G>A on transcript NM_000059.4 (MANE Select); coding-DNA position 1174, G replaced by A.
Protein change: p.Ala392Thr; replaces alanine 392 with threonine.
Molecular consequence: missense variant. On other transcripts: non-coding transcript variant (1), intron variant (1).
Genome position (GRCh38, 1-based): chr13:32,332,652, G>A. VCF-style: chr13-32332652-G-A. GRCh37 (hg19) VCF-style: chr13-32906789-G-A.
Other names: c.1174G>A, p.Ala392Thr (NM_001406719.1, NM_001406720.1, NM_001406721.1 and 1 more transcripts); c.424+1622G>A (NM_001406722.1); short protein forms A392T.
Identifiers: ClinVar variation 4758865 (VCV004758865.1).

ClinVar aggregate classification (germline): Uncertain significance (1 of 4 stars; one submission).

Conditions:
Hereditary cancer-predisposing syndrome. Also called: Neoplastic Syndromes, Hereditary; Hereditary neoplastic syndrome; Tumor predisposition; Hereditary Cancer Syndrome. Identifiers: Orphanet 140162, MedGen C0027672, MeSH D009386, MONDO:0015356.

Submission:

Color Diagnostics, LLC DBA Color Health
Classification: Uncertain significance for Hereditary cancer-predisposing syndrome. Last evaluated: 2025-07-15. Review status: criteria provided, single submitter. Criteria: ACMG Guidelines, 2015. Collection method: clinical testing. Allele origin: germline.
Comment: This missense variant replaces alanine with threonine at codon 392 of the BRCA2 protein. Computational prediction suggests that this variant may not impact protein structure and function. A functional study has reported that this variant does not impact BRCA1 in a cell growth assay (PMID: 35190686). This variant has been detected in a breast cancer case-control meta-analysis in 1/60466 cases and 0/53461 unaffected individuals (PMID: 33471991Leiden Open Variation Database DB-ID BRCA2_001348). This variant has not been identified in the general population by the Genome Aggregation Database (gnomAD). The available evidence is insufficient to determine the role of this variant in disease conclusively. Therefore, this variant is classified as a Variant of Uncertain Significance.

Literature cited by the submitters: PubMed 33471991; PubMed 35190686.